The following is an entry in ClinVar:

NM_014225.6(PPP2R1A):c.901G>T (p.Ala301Ser)

Gene: PPP2R1A (protein phosphatase 2 scaffold subunit Aalpha; plus strand). Cytogenetic location: 19q13.41.
Variant type: single nucleotide variant.
Coding change: c.901G>T on transcript NM_014225.6 (MANE Select); coding-DNA position 901, G replaced by T.
Protein change: p.Ala301Ser; replaces alanine 301 with serine.
Molecular consequence: missense variant. On other transcripts: non-coding transcript variant (1).
Genome position (GRCh38, 1-based): chr19:52,215,872, G>T. VCF-style: chr19-52215872-G-T. GRCh37 (hg19) VCF-style: chr19-52719125-G-T.
Other names: c.364G>T, p.Ala122Ser (NM_001363656.2); short protein forms A122S, A301S.
Identifiers: ClinVar variation 2772381 (VCV002772381.3), dbSNP rs771769470, ClinGen allele CA407186500.

ClinVar aggregate classification (germline): Uncertain significance (1 of 4 stars; one submission).

Submission:

Labcorp Genetics (formerly Invitae), Labcorp
Classification: Uncertain significance. Last evaluated: 2023-11-24. Review status: criteria provided, single submitter. Criteria: Invitae Variant Classification Sherloc (09022015). Collection method: clinical testing. Allele origin: germline.
Comment: This sequence change replaces alanine, which is neutral and non-polar, with serine, which is neutral and polar, at codon 301 of the PPP2R1A protein (p.Ala301Ser). This variant is not present in population databases (gnomAD no frequency). This variant has not been reported in the literature in individuals affected with PPP2R1A-related conditions. Advanced modeling of protein sequence and biophysical properties (such as structural, functional, and spatial information, amino acid conservation, physicochemical variation, residue mobility, and thermodynamic stability) performed at Invitae indicates that this missense variant is not expected to disrupt PPP2R1A protein function with a negative predictive value of 80%. In summary, the available evidence is currently insufficient to determine the role of this variant in disease. Therefore, it has been classified as a Variant of Uncertain Significance.